The following is an entry in ClinVar:

NM_001267550.2(TTN):c.32197+11G>A

Gene: TTN (titin; minus strand). Cytogenetic location: 2q31.2.
Variant type: single nucleotide variant.
Coding change: c.32197+11G>A on transcript NM_001267550.2 (MANE Select); 11 bases into the intron after coding-DNA position 32197, G replaced by A.
Molecular consequence: intron variant.
Genome position (GRCh38, 1-based): chr2:178,688,666, C>T on the plus strand (G>A on the coding strand, the complement: TTN is on the minus strand). VCF-style: chr2-178688666-C-T. GRCh37 (hg19) VCF-style: chr2-179553393-C-T.
Other names: c.13283-46349G>A (NM_003319.4); c.13859-46349G>A (NM_133437.4); c.13658-46349G>A (NM_133432.3); c.28465+11G>A (NM_133378.4); c.31246+11G>A (NM_001256850.1).
Identifiers: ClinVar variation 46861 (VCV000046861.23), dbSNP rs369265969, ClinGen allele CA283106.

ClinVar aggregate classification (germline): Conflicting classifications of pathogenicity. Review status: criteria provided, conflicting classifications (1 of 4 stars). 12 submissions from 8 submitters: Uncertain significance (3); Benign (5); Likely benign (2). 2 of the submissions do not count toward it. Last evaluated 2026-02-03.

Conditions:
Dilated cardiomyopathy 1G (CMD1G). Identifiers: Orphanet 154, MedGen C1858763, MONDO:0011400, OMIM 604145.
Autosomal recessive limb-girdle muscular dystrophy type 2J (LGMDR10). Also called: MUSCULAR DYSTROPHY, LIMB-GIRDLE, AUTOSOMAL RECESSIVE 10; Limb-girdle muscular dystrophy, type 2J. Identifiers: Orphanet 140922, MedGen C1837342, MONDO:0012127, OMIM 608807.
Early-onset myopathy with fatal cardiomyopathy (CMYO5). Also called: CONGENITAL MYOPATHY 5 WITH CARDIOMYOPATHY; Salih Myopathy. Identifiers: Orphanet 289377, MedGen C2673677, MONDO:0012714, OMIM 611705. Disease mechanism: loss of function.
Myopathy, myofibrillar, 9, with early respiratory failure (MFM9). Also called: Myopathy, distal, with early respiratory failure, autosomal dominant; Hereditary myopathy with early respiratory failure; MYOPATHY, PROXIMAL, WITH EARLY RESPIRATORY MUSCLE INVOLVEMENT; EDSTROM MYOPATHY. Identifiers: Orphanet 178464, Orphanet 34521, MedGen C1863599, MONDO:0011362, OMIM 603689.
Tibial muscular dystrophy (TMD). Also called: Udd Distal Myopathy – Tibial Muscular Dystrophy; Tibial muscular dystrophy, tardive; UDD MYOPATHY. Identifiers: Orphanet 609, MedGen C1838244, MONDO:0010870, OMIM 600334.

Allele frequency attached by ClinVar (database versions not stated): ExAC 0.00046; ESP Exome Variant Server 0.00066; gnomAD exomes 0.00035 and 0.00061; gnomAD 0.00036 and 0.00039; TOPMed 0.00040.
gnomAD v4.1: 597 of 1,595,052 alleles (0.037%); highest among the groups gnomAD compares: Middle Eastern, 0.18%; 1 homozygote.

Submissions (12):

Labcorp Genetics (formerly Invitae), Labcorp
Classification: Benign for Dilated cardiomyopathy 1G; Autosomal recessive limb-girdle muscular dystrophy type 2J. Last evaluated: 2026-02-03. Review status: criteria provided, single submitter. Criteria: Invitae Variant Classification Sherloc (09022015). Collection method: clinical testing. Allele origin: germline.

Blueprint Genetics
Classification: Likely benign. Last evaluated: 2024-11-12. Review status: criteria provided, single submitter. Criteria: ACMG Guidelines, 2015. Collection method: clinical testing. Allele origin: germline.

Women's Health and Genetics/Laboratory Corporation of America, LabCorp
Classification: Benign. Last evaluated: 2023-05-18. Review status: criteria provided, single submitter. Criteria: LabCorp Variant Classification Summary - May 2015. Collection method: clinical testing. Allele origin: germline.

Illumina Laboratory Services, Illumina
Classification: Uncertain significance for Early-onset myopathy with fatal cardiomyopathy. Last evaluated: 2018-01-13. Review status: criteria provided, single submitter. Criteria: ICSL Variant Classification Criteria 13 December 2019. Collection method: clinical testing. Allele origin: germline.

Illumina Laboratory Services, Illumina
Classification: Uncertain significance for Dilated cardiomyopathy 1G. Last evaluated: 2018-01-13. Review status: criteria provided, single submitter. Criteria: ICSL Variant Classification Criteria 13 December 2019. Collection method: clinical testing. Allele origin: germline.

Illumina Laboratory Services, Illumina
Classification: Benign for Myopathy, myofibrillar, 9, with early respiratory failure. Last evaluated: 2018-01-13. Review status: criteria provided, single submitter. Criteria: ICSL Variant Classification Criteria 13 December 2019. Collection method: clinical testing. Allele origin: germline.
Comment: This variant was observed in the ICSL laboratory as part of a predisposition screen in an ostensibly healthy population. It had not been previously curated by ICSL or reported in the Human Gene Mutation Database (HGMD: prior to June 1st, 2018), and was therefore a candidate for classification through an automated scoring system. Utilizing variant allele frequency, disease prevalence and penetrance estimates, and inheritance mode, an automated score was calculated to assess if this variant is too frequent to cause the disease. Based on the score and internal cut-off values, a variant classified as benign is not then subjected to further curation. The score for this variant resulted in a classification of benign for this disease.

Illumina Laboratory Services, Illumina
Classification: Uncertain significance for Autosomal recessive limb-girdle muscular dystrophy type 2J. Last evaluated: 2018-01-13. Review status: criteria provided, single submitter. Criteria: ICSL Variant Classification Criteria 13 December 2019. Collection method: clinical testing. Allele origin: germline.

Illumina Laboratory Services, Illumina
Classification: Benign for Tibial muscular dystrophy. Last evaluated: 2018-01-13. Review status: criteria provided, single submitter. Criteria: ICSL Variant Classification Criteria 13 December 2019. Collection method: clinical testing. Allele origin: germline.
Comment: the same text as in the submission from Illumina Laboratory Services, Illumina above.

Laboratory for Molecular Medicine, Mass General Brigham Personalized Medicine
Classification: Likely benign. Last evaluated: 2015-03-18. Review status: criteria provided, single submitter. Criteria: LMM Criteria. Collection method: clinical testing. Allele origin: germline. Observed: 3 variant alleles.
Comment: c.28465+11G>A in intron 123 of TTN: This variant is not expected to have clinica l significance because it is not located within the splice consensus sequence. I t has been identified in 51/66556 European chromosomes by the Exome Aggregation Consortium (ExAC; dbSNP rs369265969).

GeneDx
Classification: Benign. Last evaluated: 2014-10-29. Review status: criteria provided, single submitter. Criteria: GeneDx Variant Classification (06012015). Collection method: clinical testing. Allele origin: germline. Affected: yes.
Comment: This variant is considered likely benign or benign based on one or more of the following criteria: it is a conservative change, it occurs at a poorly conserved position in the protein, it is predicted to be benign by multiple in silico algorithms, and/or has population frequency not consistent with disease.

Clinical Genetics DNA and cytogenetics Diagnostics Lab, Erasmus MC, Erasmus Medical Center
Classification: Benign. Review status: no assertion criteria provided. Collection method: clinical testing. Allele origin: germline. Affected: yes. Study: VKGL Data-share Consensus. Not counted in ClinVar's aggregate classification.

Clinical Genetics, Academic Medical Center
Classification: Benign. Review status: no assertion criteria provided. Collection method: clinical testing. Allele origin: germline. Affected: yes. Study: VKGL Data-share Consensus. Not counted in ClinVar's aggregate classification.